The following is an entry in ClinVar:

ClinVar aggregate classification (germline): Uncertain significance (1 of 4 stars; one submission).

Conditions:
Hereditary sensory neuropathy-deafness-dementia syndrome. Also called: HSN IE; NEUROPATHY, HEREDITARY SENSORY, WITH HEARING LOSS AND DEMENTIA; Hereditary Sensory and Autonomic Neuropathy Type 1E (HSAN1E); Hereditary sensory neuropathy type IE. Identifiers: Orphanet 456318, MedGen C3279885, MONDO:0013584, OMIM 614116.

gnomAD v4.1: 7 of 1,614,198 alleles (0.00043%); highest among the groups gnomAD compares: Middle Eastern, 0.016%; no homozygotes.

Submission:

Labcorp Genetics (formerly Invitae), Labcorp
Classification: Uncertain significance for Hereditary sensory neuropathy-deafness-dementia syndrome. Last evaluated: 2025-07-27. Review status: criteria provided, single submitter. Criteria: Invitae Variant Classification Sherloc (09022015). Collection method: clinical testing. Allele origin: germline.
Comment: This sequence change replaces glutamic acid, which is acidic and polar, with lysine, which is basic and polar, at codon 1145 of the DNMT1 protein (p.Glu1145Lys). This variant is not present in population databases (gnomAD no frequency). This variant has not been reported in the literature in individuals affected with DNMT1-related conditions. Invitae Evidence Modeling of protein sequence and biophysical properties (such as structural, functional, and spatial information, amino acid conservation, physicochemical variation, residue mobility, and thermodynamic stability) indicates that this missense variant is not expected to disrupt DNMT1 protein function with a negative predictive value of 80%. In summary, the available evidence is currently insufficient to determine the role of this variant in disease. Therefore, it has been classified as a Variant of Uncertain Significance.

NM_001130823.3(DNMT1):c.3433G>A (p.Glu1145Lys)

Gene: DNMT1 (DNA methyltransferase 1; minus strand). Cytogenetic location: 19p13.2.
Variant type: single nucleotide variant.
Coding change: c.3433G>A on transcript NM_001130823.3 (MANE Select); coding-DNA position 3433, G replaced by A.
Protein change: p.Glu1145Lys; replaces glutamic acid 1145 with lysine.
Molecular consequence: missense variant.
Genome position (GRCh38, 1-based): chr19:10,140,871, C>T on the plus strand (G>A on the coding strand, the complement: DNMT1 is on the minus strand). VCF-style: chr19-10140871-C-T. GRCh37 (hg19) VCF-style: chr19-10251547-C-T.
Other names: c.3385G>A, p.Glu1129Lys (NM_001318730.2, NM_001379.4); c.3070G>A, p.Glu1024Lys (NM_001318731.2); short protein forms E1145K, E1024K, E1129K.
Identifiers: ClinVar variation 4749197 (VCV004749197.1).